The following is an entry in ClinVar:

ClinVar aggregate classification (germline): Uncertain significance (1 of 4 stars; one submission).

Conditions:
SLCO1B3-related disorder. Also called: SLCO1B3-related condition.

Allele frequency attached by ClinVar (database versions not stated): ExAC 0.00001; gnomAD exomes 0.00001 and 0.00003; gnomAD 0.00002; TOPMed 0.00002.

Submission:

PreventionGenetics, part of Exact Sciences
Classification: Uncertain significance for SLCO1B3-related condition. Last evaluated: 2026-09-21. Review status: criteria provided, single submitter. Criteria: ACMG Guidelines, 2015. Collection method: clinical testing. Allele origin: germline.
Comment: The SLCO1B3 c.1827_1830delACAA variant is predicted to result in a frameshift and premature protein termination (p.Gln610Glufs*20). To our knowledge, this variant has not been reported in the literature. This variant is reported in 0.017% of alleles in individuals of Latino descent in gnomAD. This variant is located within the last 50 nucleotides of the penultimate exon in SLCO1B3, and is therefore not predicted to undergo nonsense-mediated mRNA decay. To date, there have been no protein-truncating variants downstream of this variant reported in the literature. Although we suspect that this variant may be pathogenic, at this time, the clinical significance of this variant is uncertain due to the absence of conclusive functional and genetic evidence.

NM_019844.4(SLCO1B3):c.1827_1830del (p.Gln610fs)

Genes: SLCO1B3 (solute carrier organic anion transporter family member 1B3; plus strand), SLCO1B3-SLCO1B7 (SLCO1B3-SLCO1B7 readthrough; plus strand). Cytogenetic location: 12p12.2.
Variant type: Deletion.
Coding change: c.1827_1830del on transcript NM_019844.4 (MANE Select); coding-DNA positions 1827 to 1830, 4 bases deleted (ACAA; older notation c.1827_1830delACAA).
Protein change: p.Gln610fs; shifts the reading frame from glutamine 610.
Molecular consequence: frameshift variant.
Genome position (GRCh38, 1-based): chr12:20,901,429-20,901,432, ACAA deleted. VCF-style (leftmost placement, unchanged base first): chr12-20901428-CACAA-C. GRCh37 (hg19) VCF-style: chr12-21054362-CACAA-C.
Other names: c.1827_1830del, p.Gln610fs (NM_001371097.1); c.1743_1746del, p.Gln582fs (NM_001349920.2); short protein forms Q582fs, Q610fs.
Identifiers: ClinVar variation 3029790 (VCV003029790.3), dbSNP rs752019947, ClinGen allele CA6475720.
Genomic context (GRCh38, chr12:20,901,428, plus strand): 5'-TATATTTTGGGGCTCTGATTGATAAAACATGTATGAAGTGGTCCACCAACAGCTGTGGAG[CACAA>C]GGGGCTTGTAGGATATATAATTCCGTATTTTTTGGGTAAGTTGTCGTAAACACATTTCAT-3'